The following is an entry in ClinVar:

NM_000548.5(TSC2):c.2197C>A (p.Leu733Met)

Gene: TSC2 (TSC complex subunit 2; plus strand). Cytogenetic location: 16p13.3.
Variant type: single nucleotide variant.
Coding change: c.2197C>A on transcript NM_000548.5 (MANE Select); coding-DNA position 2197, C replaced by A.
Protein change: p.Leu733Met; replaces leucine 733 with methionine.
Molecular consequence: missense variant.
Genome position (GRCh38, 1-based): chr16:2,072,340, C>A. VCF-style: chr16-2072340-C-A. GRCh37 (hg19) VCF-style: chr16-2122341-C-A.
Other names: c.2197C>A, p.Leu733Met (NM_001077183.3, NM_001114382.3, NM_001363528.2 and 6 more transcripts); c.2086C>A, p.Leu696Met (NM_001318827.2, NM_001406670.1, NM_001406678.1); c.2050C>A, p.Leu684Met (NM_001318829.2, NM_001406675.1, NM_001406676.1 and 1 more transcripts); c.1597C>A, p.Leu533Met (NM_001318831.2, NM_001406688.1, NM_001406680.1 and 6 more transcripts); c.2230C>A, p.Leu744Met (NM_001318832.2); c.2287C>A, p.Leu763Met (NM_001406667.1, NM_001406668.1); c.2185C>A, p.Leu729Met (NM_001406671.1, NM_001406673.1); c.2140C>A, p.Leu714Met (NM_001406677.1); and 3 more; short protein forms L199M, L285M, L533M, L579M, L684M, L696M, L714M, L729M.
Identifiers: ClinVar variation 1722061 (VCV001722061.5), dbSNP rs397515163, ClinGen allele CA394275051.

ClinVar aggregate classification (germline): Uncertain significance (1 of 4 stars; one submission).

Conditions:
Tuberous sclerosis 2 (TSC2). Identifiers: Orphanet 805, MedGen C1860707, MONDO:0013199, OMIM 613254.

Submission:

Labcorp Genetics (formerly Invitae), Labcorp
Classification: Uncertain significance for Tuberous sclerosis 2. Last evaluated: 2022-10-23. Review status: criteria provided, single submitter. Criteria: Invitae Variant Classification Sherloc (09022015). Collection method: clinical testing. Allele origin: germline.
Comment: This variant has not been reported in the literature in individuals affected with TSC2-related conditions. Advanced modeling of protein sequence and biophysical properties (such as structural, functional, and spatial information, amino acid conservation, physicochemical variation, residue mobility, and thermodynamic stability) performed at Invitae indicates that this missense variant is not expected to disrupt TSC2 protein function. This variant disrupts the p.Leu733 amino acid residue in TSC2. Other variant(s) that disrupt this residue have been determined to be pathogenic (Invitae). This suggests that this residue is clinically significant, and that variants that disrupt this residue are likely to be disease-causing. In summary, the available evidence is currently insufficient to determine the role of this variant in disease. Therefore, it has been classified as a Variant of Uncertain Significance. This variant is not present in population databases (gnomAD no frequency). This sequence change replaces leucine, which is neutral and non-polar, with methionine, which is neutral and non-polar, at codon 733 of the TSC2 protein (p.Leu733Met).